The following is an entry in ClinVar:

ClinVar aggregate classification (germline): Uncertain significance (1 of 4 stars; one submission).

Conditions:
Inborn genetic diseases. Identifiers: MedGen C0950123, MeSH D030342.

Submission:

Ambry Genetics
Classification: Uncertain significance for Inborn genetic diseases. Last evaluated: 2025-04-24. Review status: criteria provided, single submitter. Criteria: Ambry Variant Classification Scheme 2023. Collection method: clinical testing. Allele origin: germline.
Comment: The p.L235R variant (also known as c.704T>G), located in coding exon 7 of the FANCA gene, results from a T to G substitution at nucleotide position 704. The leucine at codon 235 is replaced by arginine, an amino acid with dissimilar properties. This amino acid position is conserved. In addition, the in silico prediction for this alteration is inconclusive. Based on the available evidence, the clinical significance of this variant remains unclear.

NM_000135.4(FANCA):c.704T>G (p.Leu235Arg)

Gene: FANCA (FA complementation group A; minus strand). Cytogenetic location: 16q24.3.
Variant type: single nucleotide variant.
Coding change: c.704T>G on transcript NM_000135.4 (MANE Select); coding-DNA position 704, T replaced by G.
Protein change: p.Leu235Arg; replaces leucine 235 with arginine.
Molecular consequence: missense variant.
Genome position (GRCh38, 1-based): chr16:89,805,285, A>C on the plus strand (T>G on the coding strand, the complement: FANCA is on the minus strand). VCF-style: chr16-89805285-A-C. GRCh37 (hg19) VCF-style: chr16-89871693-A-C.
Other names: c.704T>G, p.Leu235Arg (NM_001018112.3, NM_001286167.3); c.608T>G, p.Leu203Arg (NM_001351830.2); short protein forms L235R, L203R.
Identifiers: ClinVar variation 4022219 (VCV004022219.1).